The following is an entry in ClinVar:

NM_001048174.2(MUTYH):c.658G>A (p.Ala220Thr)

Gene: MUTYH (mutY DNA glycosylase; minus strand). Cytogenetic location: 1p34.1.
Variant type: single nucleotide variant.
Coding change: c.658G>A on transcript NM_001048174.2 (MANE Select); coding-DNA position 658, G replaced by A.
Protein change: p.Ala220Thr; replaces alanine 220 with threonine.
Molecular consequence: missense variant. On other transcripts: non-coding transcript variant (2).
Genome position (GRCh38, 1-based): chr1:45,332,437, C>T on the plus strand (G>A on the coding strand, the complement: MUTYH is on the minus strand). VCF-style: chr1-45332437-C-T. GRCh37 (hg19) VCF-style: chr1-45798109-C-T.
Other names: c.658G>A, p.Ala220Thr (NM_001048171.2, NM_001048173.2, NM_001293195.2); c.661G>A, p.Ala221Thr (NM_001048172.2); c.742G>A, p.Ala248Thr (NM_001128425.2); c.703G>A, p.Ala235Thr (NM_001293190.2); c.691G>A, p.Ala231Thr (NM_001293191.2); c.382G>A, p.Ala128Thr (NM_001293192.2, NM_001293196.2); c.313G>A, p.Ala105Thr (NM_001350650.2, NM_001350651.2); c.733G>A, p.Ala245Thr (NM_012222.3); short protein forms A248T, A105T, A231T, A128T, A221T, A220T, A235T, A245T.
Identifiers: ClinVar variation 231642 (VCV000231642.9), dbSNP rs755635173, ClinGen allele CA058956.

ClinVar aggregate classification (germline): Uncertain significance. Review status: criteria provided, multiple submitters, no conflicts (2 of 4 stars). 4 submissions from 4 submitters: Uncertain significance (4). Last evaluated 2026-01-28.

Conditions:
Hereditary cancer-predisposing syndrome. Also called: Tumor predisposition; Hereditary Cancer Syndrome; Neoplastic Syndromes, Hereditary; Hereditary neoplastic syndrome. Identifiers: Orphanet 140162, MedGen C0027672, MeSH D009386, MONDO:0015356.
Familial adenomatous polyposis 2. Also called: MYH-associated polyposis; FAP type 2; ADENOMAS, MULTIPLE COLORECTAL, AUTOSOMAL RECESSIVE; MUTYH Polyposis; MUTYH-associated polyposis; MUTYH-related attenuated familial adenomatous polyposis. Identifiers: Orphanet 220460, Orphanet 247798, MedGen C3272841, MONDO:0012041, OMIM 608456.

Allele frequency attached by ClinVar (database versions not stated): gnomAD exomes below 0.00001; TOPMed below 0.00001; ExAC 0.00001.
gnomAD v4.1: 1 of 1,614,172 alleles (0.000062%); highest among the groups gnomAD compares: Admixed American, 0.0017%; no homozygotes.

Submissions (4):

Labcorp Genetics (formerly Invitae), Labcorp
Classification: Uncertain significance for Familial adenomatous polyposis 2. Last evaluated: 2026-01-28. Review status: criteria provided, single submitter. Criteria: Invitae Variant Classification Sherloc (09022015). Collection method: clinical testing. Allele origin: germline.
Comment: This sequence change replaces alanine, which is neutral and non-polar, with threonine, which is neutral and polar, at codon 248 of the MUTYH protein (p.Ala248Thr). This variant is present in population databases (rs755635173, gnomAD 0.003%). This variant has not been reported in the literature in individuals affected with MUTYH-related conditions. ClinVar contains an entry for this variant (Variation ID: 231642). An algorithm developed to predict the effect of missense changes on protein structure and function (PolyPhen-2) suggests that this variant is likely to be disruptive. In summary, the available evidence is currently insufficient to determine the role of this variant in disease. Therefore, it has been classified as a Variant of Uncertain Significance.

Color Diagnostics, LLC DBA Color Health
Classification: Uncertain significance for Hereditary cancer-predisposing syndrome. Last evaluated: 2025-11-24. Review status: criteria provided, single submitter. Criteria: ACMG Guidelines, 2015. Collection method: clinical testing. Allele origin: germline.
Comment: This missense variant replaces alanine with threonine at codon 248 of the MUTYH protein. Computational prediction is inconclusive regarding the impact of this variant on protein structure and function. To our knowledge, functional studies have not been reported for this variant. This variant has not been reported in individuals affected with MUTYH-related disorders in the literature. This variant has been identified in 1/1614172 chromosomes in the general population by the Genome Aggregation Database (gnomAD). The available evidence is insufficient to determine the role of this variant in disease conclusively. Therefore, this variant is classified as a Variant of Uncertain Significance.

Quest Diagnostics Nichols Institute San Juan Capistrano
Classification: Uncertain significance. Last evaluated: 2025-03-16. Review status: criteria provided, single submitter. Criteria: Quest Diagnostics criteria. Collection method: clinical testing. Allele origin: unknown.
Comment: The MUTYH c.742G>A (p.Ala248Thr) variant has not been reported in individuals with MUTYH-related conditions in the published literature. The frequency of this variant in the general population (Genome Aggregation Database) is uninformative in the assessment of its pathogenicity. Analysis of this variant using bioinformatics tools for the prediction of the effect of amino acid changes on protein structure and function yielded predictions that this variant is benign. Based on the available information, we are unable to determine the clinical significance of this variant.

Ambry Genetics
Classification: Uncertain significance for Hereditary cancer-predisposing syndrome. Last evaluated: 2022-01-18. Review status: criteria provided, single submitter. Criteria: Ambry Variant Classification Scheme 2023. Collection method: clinical testing. Allele origin: germline.
Comment: The p.A248T variant (also known as c.742G>A), located in coding exon 9 of the MUTYH gene, results from a G to A substitution at nucleotide position 742. The alanine at codon 248 is replaced by threonine, an amino acid with similar properties. This amino acid position is well conserved in available vertebrate species. In addition, the in silico prediction for this alteration is inconclusive. Since supporting evidence is limited at this time, the clinical significance of this alteration remains unclear.